The following is an entry in ClinVar:

ClinVar aggregate classification (germline): Benign (1 of 4 stars; one submission).

Allele frequency attached by ClinVar (database versions not stated): 1000 Genomes Project 30x 0.66771; 1000 Genomes Project 0.67652; TOPMed 0.68776; gnomAD 0.69064 and 0.69492; gnomAD exomes 0.78322.
gnomAD v4.1: 825,825 of 1,073,028 alleles (77%); highest among the groups gnomAD compares: East Asian, 86%; 322,740 homozygotes.

Submission:

GeneDx
Classification: Benign. Last evaluated: 2018-06-14. Review status: criteria provided, single submitter. Criteria: GeneDx Variant Classification (06012015). Collection method: clinical testing. Allele origin: germline. Affected: yes.
Comment: This variant is considered likely benign or benign based on one or more of the following criteria: it is a conservative change, it occurs at a poorly conserved position in the protein, it is predicted to be benign by multiple in silico algorithms, and/or has population frequency not consistent with disease.

NM_014795.4(ZEB2):c.2886+137A>G

Gene: ZEB2 (zinc finger E-box binding homeobox 2; minus strand). Cytogenetic location: 2q22.3.
Variant type: single nucleotide variant.
Coding change: c.2886+137A>G on transcript NM_014795.4 (MANE Select); 137 bases into the intron after coding-DNA position 2886, A replaced by G.
Molecular consequence: intron variant.
Genome position (GRCh38, 1-based): chr2:144,398,164, T>C on the plus strand (A>G on the coding strand, the complement: ZEB2 is on the minus strand). VCF-style: chr2-144398164-T-C. GRCh37 (hg19) VCF-style: chr2-145155731-T-C.
Other names: c.2814+137A>G (NM_001171653.2).
Identifiers: ClinVar variation 670342 (VCV000670342.1), dbSNP rs10185359, ClinGen allele CA15165745.
Genomic context (GRCh38, chr2:144,398,164, plus strand): 5'-AAAGCAAATGTGCTTAGAGTACAGTGATCCACTGTTTCATCCATTGTTCTAGCCCACTGA[T>C]GGTTTTAGGTTCATGTTAAAGCAAACTCTTCTGTTTCTGCTGAGTTTTTTCACTAAGATT-3'